The following is an entry in ClinVar:

NC_000004.11:g.(?_55140998)_(55161449_?)dup

Genes: PDGFRA (platelet derived growth factor receptor alpha; plus strand), LOC126807054 (BRD4-independent group 4 enhancer GRCh37_chr4:55147260-55148459; plus strand). Cytogenetic location: 4q12.
Variant type: Duplication.
Identifiers: ClinVar variation 583741 (VCV000583741.3).

ClinVar aggregate classification (germline): Uncertain significance (1 of 4 stars; one submission).

Conditions:
Gastrointestinal stromal tumor. Also called: Gastrointestinal stromal tumor, somatic; Gastrointestinal stroma tumor. Identifiers: Orphanet 44890, MedGen C0238198, MeSH D046152, MONDO:0011719, OMIM 606764, HP:0100723.

Submission:

Labcorp Genetics (formerly Invitae), Labcorp
Classification: Uncertain significance for Gastrointestinal stroma tumor. Last evaluated: 2019-11-14. Review status: criteria provided, single submitter. Criteria: Invitae Variant Classification Sherloc (09022015). Collection method: clinical testing. Allele origin: germline.
Comment: This variant results in a copy number gain of the genomic region encompassing exons 12-23 of the PDGFRA gene. The 5' boundary is likely confined to intron 11. The 3' end of this event is unknown as it extends beyond the assayed region for this gene and therefore may encompass additional genes. As the precise location of this event is unknown, it may be in tandem or it may be located elsewhere in the genome. Similar copy number gains have not been reported in the literature in individuals with PDGFRA-related disease. ClinVar contains an entry for a similar variant (Variation ID: 417404). In summary, the available evidence is currently insufficient to determine the role of this variant in disease. Therefore, it has been classified as a Variant of Uncertain Significance.